The following is an entry in ClinVar:

NM_201384.3(PLEC):c.3793G>C (p.Val1265Leu)

Gene: PLEC (plectin; minus strand). Cytogenetic location: 8q24.3.
Variant type: single nucleotide variant.
Coding change: c.3793G>C on transcript NM_201384.3 (MANE Select); coding-DNA position 3793, G replaced by C.
Protein change: p.Val1265Leu; replaces valine 1265 with leucine.
Molecular consequence: missense variant.
Genome position (GRCh38, 1-based): chr8:143,927,299, C>G on the plus strand (G>C on the coding strand, the complement: PLEC is on the minus strand). VCF-style: chr8-143927299-C-G. GRCh37 (hg19) VCF-style: chr8-145001467-C-G.
Other names: c.3874G>C, p.Val1292Leu (NM_000445.5, NM_001410941.1); c.3751G>C, p.Val1251Leu (NM_201378.4); c.3727G>C, p.Val1243Leu (NM_201379.3); c.4204G>C, p.Val1402Leu (NM_201380.4); c.3697G>C, p.Val1233Leu (NM_201381.3); c.3793G>C, p.Val1265Leu (NM_201382.4); c.3805G>C, p.Val1269Leu (NM_201383.3); short protein forms V1265L, V1233L, V1269L, V1292L, V1402L, V1243L, V1251L.
Identifiers: ClinVar variation 2943126 (VCV002943126.3), dbSNP rs1468025304, ClinGen allele CA372564573.

ClinVar aggregate classification (germline): Uncertain significance (1 of 4 stars; one submission).

Conditions:
Epidermolysis bullosa simplex with nail dystrophy (EBS5D). Identifiers: MedGen C4225309, MONDO:0014661, OMIM 616487.
Epidermolysis bullosa simplex, Ogna type (EBS5A). Also called: Pidermolysis bullosa simplex 5A, Ogna type; EPIDERMOLYSIS BULLOSA SIMPLEX 5A, OGNA TYPE. Identifiers: Orphanet 79401, MedGen C0432317, MONDO:0007555, OMIM 131950.
Autosomal recessive limb-girdle muscular dystrophy type 2Q (LGMDR17). Also called: MUSCULAR DYSTROPHY, LIMB-GIRDLE, AUTOSOMAL RECESSIVE 17. Identifiers: Orphanet 254361, MedGen C3150989, MONDO:0013390, OMIM 613723.
Epidermolysis bullosa simplex 5B, with muscular dystrophy (EBS5B). Also called: EPIDERMOLYSIS BULLOSA SIMPLEX AND LIMB-GIRDLE MUSCULAR DYSTROPHY; Epidermolysis bullosa simplex with muscular dystrophy. Identifiers: Orphanet 257, MedGen C2931072, MONDO:0009181, OMIM 226670.
Epidermolysis bullosa simplex 5C, with pyloric atresia (EBS5C). Also called: PLEC-Related Epidermolysis Bullosa with Pyloric Atresia; Epidermolysis bullosa simplex with pyloric atresia; PLEC1-Related Epidermolysis Bullosa with Pyloric Atresia. Identifiers: Orphanet 158684, MedGen C2677349, MONDO:0012807, OMIM 612138.

Submission:

Labcorp Genetics (formerly Invitae), Labcorp
Classification: Uncertain significance for Autosomal recessive limb-girdle muscular dystrophy type 2Q; Epidermolysis bullosa simplex, Ogna type; Epidermolysis bullosa simplex with nail dystrophy; Epidermolysis bullosa simplex 5C, with pyloric atresia; Epidermolysis bullosa simplex 5B, with muscular dystrophy. Last evaluated: 2023-01-12. Review status: criteria provided, single submitter. Criteria: Invitae Variant Classification Sherloc (09022015). Collection method: clinical testing. Allele origin: germline.
Comment: In summary, the available evidence is currently insufficient to determine the role of this variant in disease. Therefore, it has been classified as a Variant of Uncertain Significance. Advanced modeling of protein sequence and biophysical properties (such as structural, functional, and spatial information, amino acid conservation, physicochemical variation, residue mobility, and thermodynamic stability) performed at Invitae indicates that this missense variant is not expected to disrupt PLEC protein function. This variant has not been reported in the literature in individuals affected with PLEC-related conditions. This variant is not present in population databases (gnomAD no frequency). This sequence change replaces valine, which is neutral and non-polar, with leucine, which is neutral and non-polar, at codon 1292 of the PLEC protein (p.Val1292Leu).